The following is an entry in ClinVar:

NM_001042492.3(NF1):c.5156_5157del (p.Ile1719fs)

Gene: NF1 (neurofibromin 1; plus strand). Cytogenetic location: 17q11.2.
Variant type: Deletion.
Coding change: c.5156_5157del on transcript NM_001042492.3 (MANE Select); coding-DNA positions 5156 to 5157, 2 bases deleted (TA; older notation c.5156_5157delTA).
Protein change: p.Ile1719fs; shifts the reading frame from isoleucine 1719.
Molecular consequence: frameshift variant.
Genome position (GRCh38, 1-based): chr17:31,326,140-31,326,141, TA deleted; deleting any 2 consecutive bases within chr17:31,326,139-31,326,141 gives the same sequence; the c. name uses the placement nearest the transcript's 3' end. VCF-style (leftmost placement, unchanged base first): chr17-31326138-CAT-C. GRCh37 (hg19) VCF-style: chr17-29653156-CAT-C.
Other names: c.5093_5094delTA, p.Ile1698Argfs (NM_000267.4); short protein forms I1698fs, I1719fs.
Identifiers: ClinVar variation 2850422 (VCV002850422.3), dbSNP rs2508697610, ClinGen allele CA2695224962.

ClinVar aggregate classification (germline): Pathogenic (1 of 4 stars; one submission).

Conditions:
Neurofibromatosis, type 1 (NF1). Also called: VON RECKLINGHAUSEN DISEASE; Neurofibromatosis, type I; Peripheral type neurofibromatosis; NEUROFIBROMATOSIS, TYPE I, SOMATIC. Identifiers: Orphanet 636, MedGen C0027831, MONDO:0018975, OMIM 162200. Disease mechanism: loss of function.

Submission:

Labcorp Genetics (formerly Invitae), Labcorp
Classification: Pathogenic for Neurofibromatosis, type 1. Last evaluated: 2023-03-28. Review status: criteria provided, single submitter. Criteria: Invitae Variant Classification Sherloc (09022015). Collection method: clinical testing. Allele origin: germline.
Comment: For these reasons, this variant has been classified as Pathogenic. This premature translational stop signal has been observed in individual(s) with neurofibromatosis type 1 (PMID: 35240321). This variant is not present in population databases (gnomAD no frequency). This sequence change creates a premature translational stop signal (p.Ile1698Argfs*3) in the NF1 gene. It is expected to result in an absent or disrupted protein product. Loss-of-function variants in NF1 are known to be pathogenic (PMID: 10712197, 23913538).

Literature cited by the submitters: PubMed 35240321; PubMed 10712197; PubMed 23913538.